The following is an entry in ClinVar:

ClinVar aggregate classification (germline): Likely pathogenic (1 of 4 stars; one submission).

Submission:

GeneDx
Classification: Likely pathogenic. Last evaluated: 2024-11-24. Review status: criteria provided, single submitter. Criteria: GeneDx Variant Classification Process June 2021. Collection method: clinical testing. Allele origin: germline. Affected: yes.
Comment: Frameshift variant predicted to result in abnormal protein length as the last 14 amino acids are replaced with 28 different amino acids; Not observed at significant frequency in large population cohorts (gnomAD); This variant is associated with the following publications: (PMID: 24705292, 22736946)

NM_002905.5(RDH5):c.913_917del (p.Val305fs)

Genes: BLOC1S1-RDH5 (BLOC1S1-RDH5 readthrough; plus strand), RDH5 (retinol dehydrogenase 5; plus strand), CD63 (CD63 molecule; minus strand). Cytogenetic location: 12q13.2.
Variant type: Deletion.
Coding change: c.913_917del on transcript NM_002905.5 (MANE Select); coding-DNA positions 913 to 917, 5 bases deleted (GTGCT; older notation c.913_917delGTGCT).
Protein change: p.Val305fs; shifts the reading frame from valine 305.
Molecular consequence: frameshift variant. On other transcripts: non-coding transcript variant (1), 3 prime UTR variant (2).
Genome position (GRCh38, 1-based): chr12:55,724,501-55,724,505, GTGCT deleted; deleting any 5 consecutive bases within chr12:55,724,497-55,724,505 gives the same sequence; the c. name uses the placement nearest the transcript's 3' end. VCF-style (leftmost placement, unchanged base first): chr12-55724496-ATGCTG-A. GRCh37 (hg19) VCF-style: chr12-56118280-ATGCTG-A.
Other names: c.913_917del, p.Val305fs (NM_001199771.3); c.*563_*567del (NM_001413284.1); c.*578_*582del (NM_001413285.1); short protein forms V305fs.
Identifiers: ClinVar variation 3900758 (VCV003900758.1).
Genomic context (GRCh38, chr12:55,724,496, plus strand): 5'-CAGGTTGGGATGCCAAGCTGCTCTGGCTGCCTGCCTCCTACCTGCCAGCCAGCCTGGTGG[ATGCTG>A]TGCTCACCTGGGTCCTTCCCAAGCCTGCCCAAGCAGTCTACTGAATCCAGCCTTCCAGCA-3'